The following is an entry in ClinVar:

ClinVar aggregate classification (germline): Conflicting classifications of pathogenicity. Review status: criteria provided, conflicting classifications (1 of 4 stars). 2 submissions from 2 submitters: Uncertain significance (1); Likely benign (1). Last evaluated 2023-06-03.

Conditions:
Cardiovascular phenotype. Identifiers: MedGen CN230736.
Long QT syndrome (LQTS). Identifiers: MedGen C0023976, MeSH D008133, MONDO:0002442. Disease mechanism: loss of function. Inheritance: Various modes of inheritance.

Allele frequency attached by ClinVar (database versions not stated): ExAC 0.00001; gnomAD 0.00001; gnomAD exomes 0.00001 and 0.00002; TOPMed 0.00001.
gnomAD v4.1: 8 of 1,593,046 alleles (0.0005%); highest among the groups gnomAD compares: Admixed American, 0.014%; no homozygotes.

Submissions (2):

Ambry Genetics
Classification: Likely benign for Cardiovascular phenotype. Last evaluated: 2023-06-03. Review status: criteria provided, single submitter. Criteria: Ambry Variant Classification Scheme 2023. Collection method: clinical testing. Allele origin: germline.

Labcorp Genetics (formerly Invitae), Labcorp
Classification: Uncertain significance for Long QT syndrome. Last evaluated: 2022-10-17. Review status: criteria provided, single submitter. Criteria: Invitae Variant Classification Sherloc (09022015). Collection method: clinical testing. Allele origin: germline.
Comment: This variant is present in population databases (rs756905236, gnomAD 0.02%). This variant has not been reported in the literature in individuals affected with AKAP9-related conditions. ClinVar contains an entry for this variant (Variation ID: 838857). Algorithms developed to predict the effect of missense changes on protein structure and function output the following: SIFT: "Tolerated"; PolyPhen-2: "Benign"; Align-GVGD: "Class C0". The leucine amino acid residue is found in multiple mammalian species, which suggests that this missense change does not adversely affect protein function. In summary, the available evidence is currently insufficient to determine the role of this variant in disease. Therefore, it has been classified as a Variant of Uncertain Significance. This sequence change replaces proline, which is neutral and non-polar, with leucine, which is neutral and non-polar, at codon 2666 of the AKAP9 protein (p.Pro2666Leu).

NM_005751.5(AKAP9):c.7997C>T (p.Pro2666Leu)

Gene: AKAP9 (A-kinase anchoring protein 9; plus strand). Cytogenetic location: 7q21.2.
Variant type: single nucleotide variant.
Coding change: c.7997C>T on transcript NM_005751.5 (MANE Select); coding-DNA position 7997, C replaced by T.
Protein change: p.Pro2666Leu; replaces proline 2666 with leucine.
Molecular consequence: missense variant.
Genome position (GRCh38, 1-based): chr7:92,080,130, C>T. VCF-style: chr7-92080130-C-T. GRCh37 (hg19) VCF-style: chr7-91709444-C-T.
Other names: c.2642C>T, p.Pro881Leu (NM_001379277.1); c.7973C>T, p.Pro2658Leu (NM_147185.3); short protein forms P2658L, P2666L, P881L.
Identifiers: ClinVar variation 838857 (VCV000838857.11), dbSNP rs756905236, ClinGen allele CA4337373.